The following is an entry in ClinVar:

NM_000426.4(LAMA2):c.8666G>A (p.Gly2889Glu)

Gene: LAMA2 (laminin subunit alpha 2; plus strand). Cytogenetic location: 6q22.33.
Variant type: single nucleotide variant.
Coding change: c.8666G>A on transcript NM_000426.4 (MANE Select); coding-DNA position 8666, G replaced by A.
Protein change: p.Gly2889Glu; replaces glycine 2889 with glutamic acid.
Molecular consequence: missense variant.
Genome position (GRCh38, 1-based): chr6:129,505,318, G>A. VCF-style: chr6-129505318-G-A. GRCh37 (hg19) VCF-style: chr6-129826463-G-A.
Other names: c.8654G>A, p.Gly2885Glu (NM_001079823.2); short protein forms G2885E, G2889E.
Identifiers: ClinVar variation 1505055 (VCV001505055.6), dbSNP rs2114901040, ClinGen allele CA365634959.

ClinVar aggregate classification (germline): Likely pathogenic (1 of 4 stars; one submission).

Conditions:
LAMA2-related muscular dystrophy (LAMA2-RD). Also called: Laminin alpha 2-related dystrophy. Identifiers: MedGen C5679788, MONDO:0100228.

Submission:

Labcorp Genetics (formerly Invitae), Labcorp
Classification: Likely pathogenic for LAMA2-related muscular dystrophy. Last evaluated: 2021-12-03. Review status: criteria provided, single submitter. Criteria: Invitae Variant Classification Sherloc (09022015). Collection method: clinical testing. Allele origin: germline.
Comment: In summary, the currently available evidence indicates that the variant is pathogenic, but additional data are needed to prove that conclusively. Therefore, this variant has been classified as Likely Pathogenic. This variant disrupts the p.Gly2889 amino acid residue in LAMA2. Other variant(s) that disrupt this residue have been determined to be pathogenic (PMID: 16770791, 27234031, 29707938). This suggests that this residue is clinically significant, and that variants that disrupt this residue are likely to be disease-causing. Advanced modeling of protein sequence and biophysical properties (such as structural, functional, and spatial information, amino acid conservation, physicochemical variation, residue mobility, and thermodynamic stability) performed at Invitae indicates that this missense variant is expected to disrupt LAMA2 protein function. This variant has not been reported in the literature in individuals affected with LAMA2-related conditions. This variant is not present in population databases (gnomAD no frequency). This sequence change replaces glycine, which is neutral and non-polar, with glutamic acid, which is acidic and polar, at codon 2889 of the LAMA2 protein (p.Gly2889Glu).

Literature cited by the submitters: PubMed 16770791; PubMed 27234031; PubMed 29707938.